The following is an entry in ClinVar:

ClinVar aggregate classification (germline): Likely pathogenic (1 of 4 stars; one submission).

Submission:

CeGaT Center for Human Genetics Tuebingen
Classification: Likely pathogenic. Last evaluated: 2024-09-01. Review status: criteria provided, single submitter. Criteria: CeGaT Center For Human Genetics Tuebingen Variant Classification Criteria Version 2. Collection method: clinical testing. Allele origin: germline. Affected: yes. Observed: 1 variant allele.
Comment: TTN: PVS1:Strong, PM2

NM_001267550.2(TTN):c.97650_97653del (p.Asn32550fs)

Genes: TTN (titin; minus strand), TTN-AS1 (TTN antisense RNA 1; plus strand). Cytogenetic location: 2q31.2.
Variant type: Microsatellite.
Coding change: c.97650_97653del on transcript NM_001267550.2 (MANE Select); coding-DNA positions 97650 to 97653, 4 bases deleted (TAAA; older notation c.97650_97653delTAAA).
Protein change: p.Asn32550fs; shifts the reading frame from asparagine 32550.
Molecular consequence: frameshift variant.
Genome position (GRCh38, 1-based): chr2:178,541,424-178,541,427, TTTA deleted on the plus strand (TAAA on the coding strand, the reverse complement: TTN is on the minus strand); deleting any 4 consecutive bases within chr2:178,541,424-178,541,431 gives the same sequence; the c. name uses the placement nearest the transcript's 3' end. VCF-style (leftmost placement, unchanged base first): chr2-178541423-CTTTA-C. GRCh37 (hg19) VCF-style: chr2-179406150-CTTTA-C.
Other names: c.92727_92730del, p.Asn30909fs (NM_001256850.1); c.70455_70458del, p.Asn23485fs (NM_003319.4); c.89946_89949del, p.Asn29982fs (NM_133378.4); c.70830_70833del, p.Asn23610fs (NM_133432.3); c.71031_71034del, p.Asn23677fs (NM_133437.4); short protein forms N23485fs, N23610fs, N23677fs, N29982fs, N30909fs, N32550fs.
Identifiers: ClinVar variation 3389694 (VCV003389694.14).